The following is an entry in ClinVar:

ClinVar aggregate classification (germline): Uncertain significance (1 of 4 stars; one submission).

Allele frequency attached by ClinVar (database versions not stated): TOPMed below 0.00001; ExAC 0.00001; gnomAD exomes 0.00001.
gnomAD v4.1: 14 of 1,612,030 alleles (0.00087%); highest among the groups gnomAD compares: Non-Finnish European, 0.0011%; no homozygotes.

Submission:

Labcorp Genetics (formerly Invitae), Labcorp
Classification: Uncertain significance. Last evaluated: 2023-11-27. Review status: criteria provided, single submitter. Criteria: Invitae Variant Classification Sherloc (09022015). Collection method: clinical testing. Allele origin: germline.
Comment: This sequence change replaces arginine, which is basic and polar, with tryptophan, which is neutral and slightly polar, at codon 1081 of the TONSL protein (p.Arg1081Trp). This variant is present in population databases (rs781816754, gnomAD 0.003%). This variant has not been reported in the literature in individuals affected with TONSL-related conditions. Advanced modeling of protein sequence and biophysical properties (such as structural, functional, and spatial information, amino acid conservation, physicochemical variation, residue mobility, and thermodynamic stability) performed at Invitae indicates that this missense variant is expected to disrupt TONSL protein function with a positive predictive value of 80%. In summary, the available evidence is currently insufficient to determine the role of this variant in disease. Therefore, it has been classified as a Variant of Uncertain Significance.

NM_013432.5(TONSL):c.3241C>T (p.Arg1081Trp)

Gene: TONSL (tonsoku like, DNA repair protein; minus strand). Cytogenetic location: 8q24.3.
Variant type: single nucleotide variant.
Coding change: c.3241C>T on transcript NM_013432.5 (MANE Select); coding-DNA position 3241, C replaced by T.
Protein change: p.Arg1081Trp; replaces arginine 1081 with tryptophan.
Molecular consequence: missense variant.
Genome position (GRCh38, 1-based): chr8:144,434,124, G>A on the plus strand (C>T on the coding strand, the complement: TONSL is on the minus strand). VCF-style: chr8-144434124-G-A. GRCh37 (hg19) VCF-style: chr8-145659507-G-A.
Other names: short protein forms R1081W.
Identifiers: ClinVar variation 3018260 (VCV003018260.1), dbSNP rs781816754, ClinGen allele CA4942556.